The following is an entry in ClinVar:

NM_001377137.1(GBF1):c.5268G>A (p.Pro1756=)

Gene: GBF1 (golgi brefeldin A resistant guanine nucleotide exchange factor 1; plus strand). Cytogenetic location: 10q24.32.
Variant type: single nucleotide variant.
Coding change: c.5268G>A on transcript NM_001377137.1 (MANE Select); coding-DNA position 5268, G replaced by A.
Protein change: p.Pro1756=; no amino-acid change (proline 1756 retained).
Molecular consequence: synonymous variant. On other transcripts: non-coding transcript variant (5), intron variant (1).
Genome position (GRCh38, 1-based): chr10:102,381,221, G>A. VCF-style: chr10-102381221-G-A. GRCh37 (hg19) VCF-style: chr10-104140978-G-A.
Other names: c.5256G>A, p.Pro1752= (NM_001199378.2, NM_001391923.1); c.5253G>A, p.Pro1751= (NM_001199379.2, NM_001391924.1); c.5217G>A, p.Pro1739= (NM_001377138.1); c.4971G>A, p.Pro1657= (NM_001377139.1, NM_001391930.1); c.4959G>A, p.Pro1653= (NM_001377140.1); c.5265G>A, p.Pro1755= (NM_001377141.1, NM_004193.3); c.5352G>A, p.Pro1784= (NM_001391922.1); c.5229G>A, p.Pro1743= (NM_001391925.1); and 7 more.
Identifiers: ClinVar variation 4978350 (VCV004978350.1).
Genomic context (GRCh38, chr10:102,381,221, plus strand): 5'-TCTCGCCTCAGCCCACCTGACTTCCGCTGCTGGCGACACTAGGACACCTGGCCATCCACC[G>A]CCCCCAGAGATTCCATCTGAGCTGGGGGCCTGTGGTGAGTCTCTCTAGCCTAGCCTGATA-3'
Protein context (NP_001364066.1, residues 1746-1766): AGDTRTPGHP[Pro1756=]PPEIPSELGA

ClinVar aggregate classification (germline): Likely benign (1 of 4 stars; one submission).

Conditions:
GBF1-related disorder. Also called: GBF1-related condition.

gnomAD v4.1: 80 of 1,613,660 alleles (0.005%); highest among the groups gnomAD compares: African/African-American, 0.084%; no homozygotes.

Submission:

PreventionGenetics, part of Exact Sciences
Classification: Likely benign for GBF1-related condition. Last evaluated: 2026-07-19. Review status: criteria provided, single submitter. Criteria: ACMG Guidelines, 2015. Collection method: clinical testing. Allele origin: germline.
Comment: This variant is classified as likely benign based on ACMG/AMP sequence variant interpretation guidelines (Richards et al. 2015 PMID: 25741868, with internal and published modifications).